The following is an entry in ClinVar:

ClinVar aggregate classification (germline): Uncertain significance (1 of 4 stars; one submission).

Allele frequency attached by ClinVar (database versions not stated): gnomAD exomes 0.00005; gnomAD 0.00009; TOPMed 0.00014; 1000 Genomes Project 30x 0.00016; 1000 Genomes Project 0.00020; ExAC 0.00029.

Submission:

GeneDx
Classification: Uncertain significance. Last evaluated: 2023-03-22. Review status: criteria provided, single submitter. Criteria: GeneDx Variant Classification Process June 2021. Collection method: clinical testing. Allele origin: germline. Affected: yes.
Comment: In silico analysis supports that this missense variant does not alter protein structure/function; Has not been previously published as pathogenic or benign to our knowledge

NM_001606.5(ABCA2):c.862C>T (p.Arg288Trp)

Gene: ABCA2 (ATP binding cassette subfamily A member 2; minus strand). Cytogenetic location: 9q34.3.
Variant type: single nucleotide variant.
Coding change: c.862C>T on transcript NM_001606.5 (MANE Select); coding-DNA position 862, C replaced by T.
Protein change: p.Arg288Trp; replaces arginine 288 with tryptophan.
Molecular consequence: missense variant.
Genome position (GRCh38, 1-based): chr9:137,021,427, G>A on the plus strand (C>T on the coding strand, the complement: ABCA2 is on the minus strand). VCF-style: chr9-137021427-G-A. GRCh37 (hg19) VCF-style: chr9-139915879-G-A.
Other names: c.859C>T, p.Arg287Trp (NM_001411042.1); c.952C>T, p.Arg318Trp (NM_212533.3); short protein forms R287W, R288W, R318W.
Identifiers: ClinVar variation 2580668 (VCV002580668.1), dbSNP rs199818600, ClinGen allele CA5355651.
Genomic context (GRCh38, chr9:137,021,427, plus strand): 5'-GGGCAGTGGGCAGGCAGGGCCTCACCTGCTGGGAGACCTTGGCCACGTCCAGCTGGTTCC[G>A]GAGCTCAGCAGACAGCCCAGAGAAGCGCCTGGCACGCGCAGCAGCCTGCCCACTGCAGAC-3'
Protein context (NP_001597.2, residues 278-298): RRFSGLSAEL[Arg288Trp]NQLDVAKVSQ